The following is an entry in ClinVar:

NM_022124.6(CDH23):c.3817_3830del (p.Tyr1273fs)

Genes: C10orf105 (chromosome 10 open reading frame 105; minus strand), CDH23 (cadherin related 23; plus strand). Cytogenetic location: 10q22.1.
Variant type: Deletion.
Coding change: c.3817_3830del on transcript NM_022124.6 (MANE Select); coding-DNA positions 3817 to 3830, 14 bases deleted (TACGAGACCAAGAC).
Protein change: p.Tyr1273fs; shifts the reading frame from tyrosine 1273.
Molecular consequence: frameshift variant. On other transcripts: intron variant (1).
Genome position (GRCh38, 1-based): chr10:71,732,088-71,732,101, TACGAGACCAAGAC deleted; deleting any 14 consecutive bases within chr10:71,732,085-71,732,101 gives the same sequence; the c. name uses the placement nearest the transcript's 3' end. VCF-style (leftmost placement, unchanged base first): chr10-71732084-GGACTACGAGACCAA-G. GRCh37 (hg19) VCF-style: chr10-73491841-GGACTACGAGACCAA-G.
Other names: c.3817_3830del, p.Tyr1273fs (NM_001171930.2); c.-6+5630_-6+5643del (NM_001168390.2); short protein forms Y1273fs.
Identifiers: ClinVar variation 4994507 (VCV004994507.1).

ClinVar aggregate classification (germline): Likely pathogenic (1 of 4 stars; one submission).

Conditions:
CDH23-related disorder. Also called: CDH23-related condition; CDH23-related disorders.

Submission:

PreventionGenetics, part of Exact Sciences
Classification: Likely pathogenic for CDH23-related condition. Last evaluated: 2026-02-23. Review status: criteria provided, single submitter. Criteria: ACMG Guidelines, 2015. Collection method: clinical testing. Allele origin: germline.
Comment: The CDH23 c.3817_3830del14 variant is predicted to result in a frameshift and premature protein termination (p.Tyr1273Glnfs*10). To our knowledge, this variant has not been reported in the literature or in a large population database (gnomAD), indicating this variant is rare. Frameshift variants in CDH23 are expected to be pathogenic. This variant is interpreted as likely pathogenic.